The following is an entry in ClinVar:

NM_001903.5(CTNNA1):c.810C>T (p.His270=)

Gene: CTNNA1 (catenin alpha 1; plus strand). Cytogenetic location: 5q31.2.
Variant type: single nucleotide variant.
Coding change: c.810C>T on transcript NM_001903.5 (MANE Select); coding-DNA position 810, C replaced by T.
Protein change: p.His270=; no amino-acid change (histidine 270 retained).
Molecular consequence: synonymous variant.
Genome position (GRCh38, 1-based): chr5:138,824,751, C>T. VCF-style: chr5-138824751-C-T. GRCh37 (hg19) VCF-style: chr5-138160440-C-T.
Other names: c.810C>T (NM_001903.4); c.810C>T, p.His270= (NM_001290307.3, NM_001323982.2, NM_001323983.1 and 3 more transcripts); c.501C>T, p.His167= (NM_001290309.3); c.441C>T, p.His147= (NM_001290310.3).
Identifiers: ClinVar variation 696134 (VCV000696134.16), dbSNP rs145548822, ClinGen allele CA3431562.
Genomic context (GRCh38, chr5:138,824,751, plus strand): 5'-GGCGGTCACAGGCATTTCCAATGCAGCCCAGGCCACTGCCTCAGACGATGCCTCACAGCA[C>T]CAGGGTGGAGGAGGAGGAGAACTGGCATATGCACTCAATAACTTTGACGTAAGTTATGCT-3'
Protein context (NP_001894.2, residues 260-280): QATASDDASQ[His270=]QGGGGGELAY

ClinVar aggregate classification (germline): Benign/Likely benign. Review status: criteria provided, multiple submitters, no conflicts (2 of 4 stars). 5 submissions from 5 submitters: Benign (1); Likely benign (3). 1 of the submissions does not count toward it. Last evaluated 2026-01-21.

Conditions:
CTNNA1-related disorder. Also called: CTNNA1-related condition.
Hereditary diffuse gastric adenocarcinoma (HDGC). Also called: DIFFUSE GASTRIC AND LOBULAR BREAST CANCER SYNDROME. Identifiers: Orphanet 26106, MedGen C1708349, MONDO:0007648, OMIM 137215.
Hereditary cancer-predisposing syndrome. Also called: Tumor predisposition; Hereditary neoplastic syndrome; Hereditary Cancer Syndrome; Neoplastic Syndromes, Hereditary. Identifiers: Orphanet 140162, MedGen C0027672, MeSH D009386, MONDO:0015356.

Allele frequency attached by ClinVar (database versions not stated): gnomAD exomes 0.00002 and 0.00006; ExAC 0.00007; ESP Exome Variant Server 0.00015; TOPMed 0.00020; gnomAD 0.00023 and 0.00024; 1000 Genomes Project 0.00060; 1000 Genomes Project 30x 0.00062.
gnomAD v4.1: 68 of 1,614,138 alleles (0.0042%); highest among the groups gnomAD compares: African/African-American, 0.073%; no homozygotes.

Submissions (5):

Labcorp Genetics (formerly Invitae), Labcorp
Classification: Likely benign. Last evaluated: 2026-01-21. Review status: criteria provided, single submitter. Criteria: Invitae Variant Classification Sherloc (09022015). Collection method: clinical testing. Allele origin: germline.

Myriad Genetics, Inc.
Classification: Benign for Hereditary diffuse gastric adenocarcinoma. Last evaluated: 2024-10-10. Review status: criteria provided, single submitter. Criteria: Myriad Autosomal Dominant, Autosomal Recessive and X-Linked Classification Criteria (2023). Collection method: clinical testing. Allele origin: unknown.
Comment: This variant is considered benign. This variant is a silent/synonymous amino acid change and it is not expected to impact splicing.

Blueprint Genetics
Classification: Likely benign. Last evaluated: 2022-09-30. Review status: criteria provided, single submitter. Criteria: ACMG Guidelines, 2015. Collection method: clinical testing. Allele origin: germline.

Ambry Genetics
Classification: Likely benign for Hereditary cancer-predisposing syndrome. Last evaluated: 2020-04-23. Review status: criteria provided, single submitter. Criteria: Ambry Variant Classification Scheme 2023. Collection method: clinical testing. Allele origin: germline.

PreventionGenetics, part of Exact Sciences
Classification: Likely benign for CTNNA1-related condition. Last evaluated: 2024-04-30. Review status: no assertion criteria provided. Collection method: clinical testing. Allele origin: germline. Not counted in ClinVar's aggregate classification.
Comment: This variant is classified as likely benign based on ACMG/AMP sequence variant interpretation guidelines (Richards et al. 2015 PMID: 25741868, with internal and published modifications).